The following is an entry in ClinVar:

ClinVar aggregate classification (germline): Uncertain significance. Review status: criteria provided, multiple submitters, no conflicts (2 of 4 stars). 2 submissions from 2 submitters: Uncertain significance (2). Last evaluated 2024-11-05.

Conditions:
Hereditary nonpolyposis colorectal neoplasms. Identifiers: MedGen C0009405, MeSH D003123.
Hereditary cancer-predisposing syndrome. Also called: Neoplastic Syndromes, Hereditary; Tumor predisposition; Hereditary Cancer Syndrome; Hereditary neoplastic syndrome. Identifiers: Orphanet 140162, MedGen C0027672, MeSH D009386, MONDO:0015356.

Submissions (2):

Ambry Genetics
Classification: Uncertain significance for Hereditary cancer-predisposing syndrome. Last evaluated: 2024-11-05. Review status: criteria provided, single submitter. Criteria: Ambry Variant Classification Scheme 2023. Collection method: clinical testing. Allele origin: germline.
Comment: The p.E663D variant (also known as c.1989A>C), located in coding exon 11 of the PMS2 gene, results from an A to C substitution at nucleotide position 1989. The glutamic acid at codon 663 is replaced by aspartic acid, an amino acid with highly similar properties. This amino acid position is highly conserved in available vertebrate species. In addition, this alteration is predicted to be tolerated by in silico analysis. Since supporting evidence is limited at this time, the clinical significance of this alteration remains unclear.

Labcorp Genetics (formerly Invitae), Labcorp
Classification: Uncertain significance for Hereditary nonpolyposis colorectal neoplasms. Last evaluated: 2024-01-21. Review status: criteria provided, single submitter. Criteria: Invitae Variant Classification Sherloc (09022015). Collection method: clinical testing. Allele origin: germline.
Comment: This sequence change replaces glutamic acid, which is acidic and polar, with aspartic acid, which is acidic and polar, at codon 663 of the PMS2 protein (p.Glu663Asp). This variant is not present in population databases (gnomAD no frequency). This variant has not been reported in the literature in individuals affected with PMS2-related conditions. ClinVar contains an entry for this variant (Variation ID: 820452). Advanced modeling of protein sequence and biophysical properties (such as structural, functional, and spatial information, amino acid conservation, physicochemical variation, residue mobility, and thermodynamic stability) performed at Invitae indicates that this missense variant is expected to disrupt PMS2 protein function with a positive predictive value of 80%. In summary, the available evidence is currently insufficient to determine the role of this variant in disease. Therefore, it has been classified as a Variant of Uncertain Significance.

NM_000535.7(PMS2):c.1989A>C (p.Glu663Asp)

Gene: PMS2 (PMS1 homolog 2, mismatch repair system component; minus strand). Cytogenetic location: 7p22.1.
Variant type: single nucleotide variant.
Coding change: c.1989A>C on transcript NM_000535.7 (MANE Select); coding-DNA position 1989, A replaced by C.
Protein change: p.Glu663Asp; replaces glutamic acid 663 with aspartic acid.
Molecular consequence: missense variant. On other transcripts: non-coding transcript variant (1).
Genome position (GRCh38, 1-based): chr7:5,986,776, T>G on the plus strand (A>C on the coding strand, the complement: PMS2 is on the minus strand). VCF-style: chr7-5986776-T-G. GRCh37 (hg19) VCF-style: chr7-6026407-T-G.
Other names: c.1584A>C, p.Glu528Asp (NM_001322003.2, NM_001322004.2, NM_001322005.2 and 1 more transcripts); c.1833A>C, p.Glu611Asp (NM_001322006.2); c.1671A>C, p.Glu557Asp (NM_001322007.2, NM_001322008.2); c.1428A>C, p.Glu476Asp (NM_001322010.2); c.1056A>C, p.Glu352Asp (NM_001322011.2, NM_001322012.2); c.1416A>C, p.Glu472Asp (NM_001322013.2); c.1989A>C, p.Glu663Asp (NM_001322014.2); c.1680A>C, p.Glu560Asp (NM_001322015.2); short protein forms E352D, E476D, E557D, E560D, E663D, E472D, E528D, E611D.
Identifiers: ClinVar variation 820452 (VCV000820452.13), dbSNP rs1562625015, ClinGen allele CA366738930.